The following is an entry in ClinVar:

NM_181486.4(TBX5):c.404T>G (p.Leu135Arg)

Gene: TBX5 (T-box transcription factor 5; minus strand). Cytogenetic location: 12q24.21.
Variant type: single nucleotide variant.
Coding change: c.404T>G on transcript NM_181486.4 (MANE Select); coding-DNA position 404, T replaced by G.
Protein change: p.Leu135Arg; replaces leucine 135 with arginine.
Molecular consequence: missense variant.
Genome position (GRCh38, 1-based): chr12:114,398,679, A>C on the plus strand (T>G on the coding strand, the complement: TBX5 is on the minus strand). VCF-style: chr12-114398679-A-C. GRCh37 (hg19) VCF-style: chr12-114836484-A-C.
Other names: c.404T>G, p.Leu135Arg (NM_000192.3); c.254T>G, p.Leu85Arg (NM_080717.4); short protein forms L135R, L85R.
Identifiers: ClinVar variation 375289 (VCV000375289.2), dbSNP rs1057519050, ClinGen allele CA16044038.
Genomic context (GRCh38, chr12:114,398,679, plus strand): 5'-AAGGAGACGAGCTGCCTCATCCAATGCGCCCCGGTGGCGGGGGAGTCTGGGTGCACGTAC[A>C]GGCGGCCAGGCATGGCGGGCTCAGCTTTGCCCGTCACAGACCTAGATGAAGGAGAGGTGT-3'
Protein context (NP_852259.1, residues 125-145): GKAEPAMPGR[Leu135Arg]YVHPDSPATG

ClinVar aggregate classification (germline): Likely pathogenic (1 of 4 stars; one submission).

Conditions:
Familial atrioventricular septal defect. Also called: AVC DEFECT. Identifiers: Orphanet 98722, MedGen CN029142, MONDO:0020290.

Submission:

Human Genetics and Genome Research Institute, National Research Centre
Classification: Likely pathogenic for Atrioventricular septal defect. Last evaluated: 2016-06-01. Review status: criteria provided, single submitter. Criteria: ACMG Guidelines, 2015. Collection method: research. Allele origin: inherited. Affected: yes. Observed: 3 variant alleles.
Comment: Genomic DNA was extracted and followed by the Sanger sequencing and bioinformatics analysis. Analysis included computational predictions by MutationTaster2, Swiss-PdbViewer, The Ensembl Variant Effect Predictor, Protein Homology/analogY Recognition Engine V 2.0 (Phyre 2), DNA Baser v4.7.0.0, SNPnexus, Lasergene 6.0, NNSPLICE 0.9, and RegRNA 1.0.